The following is an entry in ClinVar:

NM_003737.4(DCHS1):c.7714G>A (p.Val2572Met)

Gene: DCHS1 (dachsous cadherin-related 1; minus strand). Cytogenetic location: 11p15.4.
Variant type: single nucleotide variant.
Coding change: c.7714G>A on transcript NM_003737.4 (MANE Select); coding-DNA position 7714, G replaced by A.
Protein change: p.Val2572Met; replaces valine 2572 with methionine.
Molecular consequence: missense variant.
Genome position (GRCh38, 1-based): chr11:6,623,962, C>T on the plus strand (G>A on the coding strand, the complement: DCHS1 is on the minus strand). VCF-style: chr11-6623962-C-T. GRCh37 (hg19) VCF-style: chr11-6645193-C-T.
Other names: short protein forms V2572M.
Identifiers: ClinVar variation 4740093 (VCV004740093.1).

ClinVar aggregate classification (germline): Uncertain significance (1 of 4 stars; one submission).

gnomAD v4.1: 1 of 1,609,258 alleles (0.000062%); highest among the groups gnomAD compares: Non-Finnish European, 0.000085%; no homozygotes.

Submission:

Labcorp Genetics (formerly Invitae), Labcorp
Classification: Uncertain significance. Last evaluated: 2025-10-02. Review status: criteria provided, single submitter. Criteria: Invitae Variant Classification Sherloc (09022015). Collection method: clinical testing. Allele origin: germline.
Comment: This sequence change replaces valine, which is neutral and non-polar, with methionine, which is neutral and non-polar, at codon 2572 of the DCHS1 protein (p.Val2572Met). This variant is not present in population databases (gnomAD no frequency). This variant has not been reported in the literature in individuals affected with DCHS1-related conditions. Invitae Evidence Modeling of protein sequence and biophysical properties (such as structural, functional, and spatial information, amino acid conservation, physicochemical variation, residue mobility, and thermodynamic stability) has been performed for this missense variant. However, the output from this modeling did not meet the statistical confidence thresholds required to predict the impact of this variant on DCHS1 protein function. In summary, the available evidence is currently insufficient to determine the role of this variant in disease. Therefore, it has been classified as a Variant of Uncertain Significance.